The following is an entry in ClinVar:

NM_003919.3(SGCE):c.783del (p.Lys261fs)

Genes: CASD1 (CAS1 domain sialic acid O acetyltransferase 1; plus strand), SGCE (sarcoglycan epsilon; minus strand). Cytogenetic location: 7q21.3.
Variant type: Deletion.
Coding change: c.783del on transcript NM_003919.3 (MANE Select); coding-DNA position 783, one base deleted (A; older notation c.783delA).
Protein change: p.Lys261fs; shifts the reading frame from lysine 261.
Molecular consequence: frameshift variant.
Genome position (GRCh38, 1-based): chr7:94,603,332, T deleted on the plus strand (A on the coding strand, the reverse complement: SGCE is on the minus strand); the first of 6 consecutive T bases (chr7:94,603,332-94,603,337); deleting any one gives the same sequence. VCF-style (leftmost placement, unchanged base first): chr7-94603331-AT-A. GRCh37 (hg19) VCF-style: chr7-94232643-AT-A.
Other names: c.783del, p.Lys261fs (NM_001099400.2, NM_001099401.2, NM_001346717.2); c.660del, p.Lys220fs (NM_001301139.2, NM_001362809.2); c.891del, p.Lys297fs (NM_001346713.2, NM_001346715.2); c.696del, p.Lys232fs (NM_001346719.2, NM_001362807.2); c.510del, p.Lys170fs (NM_001346720.2, NM_001362808.2); short protein forms K170fs, K220fs, K232fs, K261fs, K297fs.
Identifiers: ClinVar variation 2571286 (VCV002571286.27), dbSNP rs1189469219, ClinGen allele CA576707300.

ClinVar aggregate classification (germline): Pathogenic (1 of 4 stars; one submission).

Submission:

CeGaT Center for Human Genetics Tuebingen
Classification: Pathogenic. Last evaluated: 2023-05-01. Review status: criteria provided, single submitter. Criteria: CeGaT Center For Human Genetics Tuebingen Variant Classification Criteria Version 2. Collection method: clinical testing. Allele origin: germline. Affected: yes. Observed: 1 variant allele.
Comment: SGCE: PVS1, PM2:Supporting, PP1